The following is an entry in ClinVar:

NM_014362.4(HIBCH):c.1046-8C>T

Gene: HIBCH (3-hydroxyisobutyryl-CoA hydrolase; minus strand). Cytogenetic location: 2q32.2.
Variant type: single nucleotide variant.
Coding change: c.1046-8C>T on transcript NM_014362.4 (MANE Select); 8 bases into the intron before coding-DNA position 1046, C replaced by T.
Molecular consequence: intron variant.
Genome position (GRCh38, 1-based): chr2:190,205,240, G>A on the plus strand (C>T on the coding strand, the complement: HIBCH is on the minus strand). VCF-style: chr2-190205240-G-A. GRCh37 (hg19) VCF-style: chr2-191069966-G-A.
Other names: c.1012-8C>T (NM_198047.3).
Identifiers: ClinVar variation 385802 (VCV000385802.1), dbSNP rs750012707, ClinGen allele CA2027351.

ClinVar aggregate classification (germline): Likely benign (1 of 4 stars; one submission).

Allele frequency attached by ClinVar (database versions not stated): gnomAD 0.00001; TOPMed below 0.00001.
gnomAD v4.1: 46 of 1,396,000 alleles (0.0033%); highest among the groups gnomAD compares: Non-Finnish European, 0.0045%; no homozygotes.

Submission:

GeneDx
Classification: Likely benign. Last evaluated: 2016-04-28. Review status: criteria provided, single submitter. Criteria: GeneDx Variant Classification (06012015). Collection method: clinical testing. Allele origin: germline. Affected: yes.
Comment: This variant is considered likely benign or benign based on one or more of the following criteria: it is a conservative change, it occurs at a poorly conserved position in the protein, it is predicted to be benign by multiple in silico algorithms, and/or has population frequency not consistent with disease.